The following is an entry in ClinVar:

ClinVar aggregate classification (germline): Conflicting classifications of pathogenicity. Review status: criteria provided, conflicting classifications (1 of 4 stars). 4 submissions from 4 submitters: Uncertain significance (3); Likely benign (1). Last evaluated 2026-04-01.

Conditions:
Cardiovascular phenotype. Identifiers: MedGen CN230736.
Brugada syndrome. Also called: Sudden unexpected nocturnal death syndrome; Sudden unexplained nocturnal death syndrome; Sudden Unexplained Death Syndrome; Sudden Unexplained Nocturnal Death Syndrome (SUNDS). Identifiers: Orphanet 130, MedGen C1142166, MONDO:0015263.

Allele frequency attached by ClinVar (database versions not stated): gnomAD 0.00001 and 0.00002; gnomAD exomes 0.00001; TOPMed 0.00002.
gnomAD v4.1: 25 of 1,614,026 alleles (0.0015%); highest among the groups gnomAD compares: Middle Eastern, 0.13%; no homozygotes.

Submissions (4):

CeGaT Center for Human Genetics Tuebingen
Classification: Uncertain significance. Last evaluated: 2026-04-01. Review status: criteria provided, single submitter. Criteria: CeGaT Center For Human Genetics Tuebingen Variant Classification Criteria Version 2. Collection method: clinical testing. Allele origin: germline. Affected: yes. Observed: 1 variant allele.
Comment: SCN10A: PM2:Supporting, PP3

Labcorp Genetics (formerly Invitae), Labcorp
Classification: Uncertain significance for Brugada syndrome. Last evaluated: 2025-08-29. Review status: criteria provided, single submitter. Criteria: Invitae Variant Classification Sherloc (09022015). Collection method: clinical testing. Allele origin: germline.
Comment: This sequence change replaces serine, which is neutral and polar, with leucine, which is neutral and non-polar, at codon 1660 of the SCN10A protein (p.Ser1660Leu). This variant is present in population databases (no rsID available, gnomAD 0.006%). This variant has not been reported in the literature in individuals affected with SCN10A-related conditions. ClinVar contains an entry for this variant (Variation ID: 1057095). Invitae Evidence Modeling of protein sequence and biophysical properties (such as structural, functional, and spatial information, amino acid conservation, physicochemical variation, residue mobility, and thermodynamic stability) has been performed for this missense variant. However, the output from this modeling did not meet the statistical confidence thresholds required to predict the impact of this variant on SCN10A protein function. In summary, the available evidence is currently insufficient to determine the role of this variant in disease. Therefore, it has been classified as a Variant of Uncertain Significance.

Ambry Genetics
Classification: Uncertain significance for Cardiovascular phenotype. Last evaluated: 2025-05-14. Review status: criteria provided, single submitter. Criteria: Ambry Variant Classification Scheme 2023. Collection method: clinical testing. Allele origin: germline.

Women's Health and Genetics/Laboratory Corporation of America, LabCorp
Classification: Likely benign. Last evaluated: 2024-10-07. Review status: criteria provided, single submitter. Criteria: LabCorp Variant Classification Summary - May 2015. Collection method: clinical testing. Allele origin: germline.
Comment: Variant summary: SCN10A c.4979C>T (p.Ser1660Leu) results in a non-conservative amino acid change located in the Ion transport domain (IPR005821) of the encoded protein sequence. Five of five in-silico tools predict a damaging effect of the variant on protein function. The variant allele was found at a frequency of 1.5e-05 in 1614026 control chromosomes. The observed variant frequency is approximately 2.5 fold of the estimated maximal expected allele frequency for a pathogenic variant in SCN10A causing Arrhythmia phenotype (6.3e-06). To our knowledge, no occurrence of c.4979C>T in individuals affected with Arrhythmia and no experimental evidence demonstrating its impact on protein function have been reported. ClinVar contains an entry for this variant (Variation ID: 1057095). Based on the evidence outlined above, the variant was classified as likely benign.

NM_006514.4(SCN10A):c.4979C>T (p.Ser1660Leu)

Gene: SCN10A (sodium voltage-gated channel alpha subunit 10; minus strand). Cytogenetic location: 3p22.2.
Variant type: single nucleotide variant.
Coding change: c.4979C>T on transcript NM_006514.4 (MANE Select); coding-DNA position 4979, C replaced by T.
Protein change: p.Ser1660Leu; replaces serine 1660 with leucine.
Molecular consequence: missense variant.
Genome position (GRCh38, 1-based): chr3:38,698,241, G>A on the plus strand (C>T on the coding strand, the complement: SCN10A is on the minus strand). VCF-style: chr3-38698241-G-A. GRCh37 (hg19) VCF-style: chr3-38739732-G-A.
Other names: c.4976C>T, p.Ser1659Leu (NM_001293306.2); c.4685C>T, p.Ser1562Leu (NM_001293307.2); short protein forms S1562L, S1659L, S1660L.
Identifiers: ClinVar variation 1057095 (VCV001057095.12), dbSNP rs998456008, ClinGen allele CA72947311.